The following is an entry in ClinVar:

ClinVar aggregate classification (germline): Uncertain significance (1 of 4 stars; one submission).

Conditions:
Cowden syndrome (CS). Also called: Cowden's disease; Cowden's syndrome; Cowden disease. Identifiers: Orphanet 201, MedGen C0018553, MONDO:0016063. Disease mechanism: gain of function.

Submission:

Labcorp Genetics (formerly Invitae), Labcorp
Classification: Uncertain significance for Cowden syndrome. Last evaluated: 2022-09-27. Review status: criteria provided, single submitter. Criteria: Invitae Variant Classification Sherloc (09022015). Collection method: clinical testing. Allele origin: germline.
Comment: Experimental studies and prediction algorithms are not available or were not evaluated, and the functional significance of this variant is currently unknown. In summary, the available evidence is currently insufficient to determine the role of this variant in disease. Therefore, it has been classified as a Variant of Uncertain Significance. This variant has not been reported in the literature in individuals affected with PIK3CA-related conditions. This variant results in a copy number gain of the genomic region encompassing exon(s) 19-21 of the PIK3CA gene. This region includes the termination codon of the gene. This copy number gain extends beyond the assayed region for this gene and therefore may encompass additional genes. As the precise location of this event is unknown, it may be in tandem or it may be located elsewhere in the genome.

NC_000003.11:g.(?_178947772)_(179144440_?)dup

Genes: ZNF639 (zinc finger protein 639; plus strand), GNB4 (G protein subunit beta 4; minus strand), KCNMB3 (potassium calcium-activated channel subfamily M regulatory beta subunit 3; minus strand), MFN1 (mitofusin 1; plus strand), PIK3CA (phosphatidylinositol-4,5-bisphosphate 3-kinase catalytic subunit alpha; plus strand). Cytogenetic location: 3q26.32-26.33.
Variant type: Duplication.
Identifiers: ClinVar variation 1411483 (VCV001411483.7).